The following is an entry in ClinVar:

ClinVar aggregate classification (germline): Uncertain significance (1 of 4 stars; one submission).

Conditions:
Developmental and epileptic encephalopathy. Identifiers: MedGen C5779964, MONDO:0100620.

Allele frequency attached by ClinVar (database versions not stated): gnomAD exomes 0.00001.
gnomAD v4.1: 8 of 1,613,918 alleles (0.0005%); highest among the groups gnomAD compares: Admixed American, 0.005%; no homozygotes.

Submission:

Labcorp Genetics (formerly Invitae), Labcorp
Classification: Uncertain significance for Early-infantile DEE. Last evaluated: 2022-07-04. Review status: criteria provided, single submitter. Criteria: Invitae Variant Classification Sherloc (09022015). Collection method: clinical testing. Allele origin: germline.
Comment: This sequence change replaces asparagine, which is neutral and polar, with serine, which is neutral and polar, at codon 391 of the CACNA2D2 protein (p.Asn391Ser). This variant is present in population databases (no rsID available, gnomAD 0.003%). This variant has not been reported in the literature in individuals affected with CACNA2D2-related conditions. Algorithms developed to predict the effect of missense changes on protein structure and function (SIFT, PolyPhen-2, Align-GVGD) all suggest that this variant is likely to be tolerated. In summary, the available evidence is currently insufficient to determine the role of this variant in disease. Therefore, it has been classified as a Variant of Uncertain Significance.

NM_006030.4(CACNA2D2):c.1172A>G (p.Asn391Ser)

Gene: CACNA2D2 (calcium voltage-gated channel auxiliary subunit alpha2delta 2; minus strand). Cytogenetic location: 3p21.31.
Variant type: single nucleotide variant.
Coding change: c.1172A>G on transcript NM_006030.4 (MANE Select); coding-DNA position 1172, A replaced by G.
Protein change: p.Asn391Ser; replaces asparagine 391 with serine.
Molecular consequence: missense variant.
Genome position (GRCh38, 1-based): chr3:50,379,180, T>C on the plus strand (A>G on the coding strand, the complement: CACNA2D2 is on the minus strand). VCF-style: chr3-50379180-T-C. GRCh37 (hg19) VCF-style: chr3-50416611-T-C.
Other names: c.1172A>G, p.Asn391Ser (NM_001005505.3, NM_001174051.3, NM_001410768.1); c.965A>G, p.Asn322Ser (NM_001291101.1); short protein forms N391S, N322S.
Identifiers: ClinVar variation 2142180 (VCV002142180.1), dbSNP rs1183086894, ClinGen allele CA352934686.